The following is an entry in ClinVar:

ClinVar aggregate classification (germline): Uncertain significance (1 of 4 stars; one submission).

Submission:

Dasa
Classification: Uncertain significance. Last evaluated: 2025-06-30. Review status: criteria provided, single submitter. Criteria: DASA Assertion Criteria. Collection method: clinical testing. Allele origin: germline.
Comment: NM_001148.6(ANK2):c.10494G>C (p.Glu3498Asp) is a missense variant that results in the substitution of glutamic acid with aspartic acid. This variant is absent from population databases. Computational prediction algorithms are consistent with a benign effect. The currently available literature and clinical evidence are not sufficient to establish a definitive association between this variant and the reported condition. Therefore, this variant is classified as a variant of uncertain significance.

NM_001148.6(ANK2):c.10494G>C (p.Glu3498Asp)

Gene: ANK2 (ankyrin 2; plus strand). Cytogenetic location: 4q26.
Variant type: single nucleotide variant.
Coding change: c.10494G>C on transcript NM_001148.6 (MANE Select); coding-DNA position 10494, G replaced by C.
Protein change: p.Glu3498Asp; replaces glutamic acid 3498 with aspartic acid.
Molecular consequence: missense variant. On other transcripts: intron variant (68).
Genome position (GRCh38, 1-based): chr4:113,359,112, G>C. VCF-style: chr4-113359112-G-C. GRCh37 (hg19) VCF-style: chr4-114280268-G-C.
Other names: c.10260G>C, p.Glu3420Asp (NM_001386142.1); c.6894G>C, p.Glu2298Asp (NM_001386166.1); c.10635G>C, p.Glu3545Asp (NM_001386174.1); c.10611G>C, p.Glu3537Asp (NM_001386175.1); c.4412-1711G>C (NM_001386186.2, NM_001386148.2); c.4214-1711G>C (NM_001354269.3); c.4292-1711G>C (NM_001386187.2); c.4253-1711G>C (NM_001386147.1); and 35 more; short protein forms E2298D, E3420D, E3498D, E3537D, E3545D.
Identifiers: ClinVar variation 4880932 (VCV004880932.2).